The following is an entry in ClinVar:

NM_182760.4(SUMF1):c.*445A>G

Gene: SUMF1 (sulfatase modifying factor 1; minus strand). Cytogenetic location: 3p26.1.
Variant type: single nucleotide variant.
Coding change: c.*445A>G on transcript NM_182760.4 (MANE Select); 445 bases downstream of the stop codon, A replaced by G.
Molecular consequence: 3 prime UTR variant.
Genome position (GRCh38, 1-based): chr3:4,361,699, T>C on the plus strand (A>G on the coding strand, the complement: SUMF1 is on the minus strand). VCF-style: chr3-4361699-T-C. GRCh37 (hg19) VCF-style: chr3-4403383-T-C.
Other names: c.*445A>G (NM_001164674.2, NM_001164675.2).
Identifiers: ClinVar variation 345305 (VCV000345305.5), dbSNP rs114640216, ClinGen allele CA10618782.

ClinVar aggregate classification (germline): Likely benign (1 of 4 stars; one submission).

Conditions:
Multiple sulfatase deficiency (MSD). Also called: Mucosulfatidosis; Multiple Sulfatase Deficiency Disease; Sulfatidosis, Juvenile, Austin Type. Identifiers: Orphanet 585, MedGen C0268263, MONDO:0010088, OMIM 272200.

Allele frequency attached by ClinVar (database versions not stated): TOPMed 0.00200; 1000 Genomes Project 0.00220; 1000 Genomes Project 30x 0.00234; gnomAD exomes 0.00235; gnomAD 0.00243 and 0.00247.
gnomAD v4.1: 460 of 193,014 alleles (0.24%); highest among the groups gnomAD compares: Non-Finnish European, 0.36%; 2 homozygotes.

Submission:

Illumina Laboratory Services, Illumina
Classification: Likely benign for Multiple sulfatase deficiency. Last evaluated: 2018-01-13. Review status: criteria provided, single submitter. Criteria: ICSL Variant Classification Criteria 13 December 2019. Collection method: clinical testing. Allele origin: germline.
Comment: This variant was observed in the ICSL laboratory as part of a predisposition screen in an ostensibly healthy population. It had not been previously curated by ICSL or reported in the Human Gene Mutation Database (HGMD: prior to June 1st, 2018), and was therefore a candidate for classification through an automated scoring system. Utilizing variant allele frequency, disease prevalence and penetrance estimates, and inheritance mode, an automated score was calculated to assess if this variant is too frequent to cause the disease. Based on the score and internal cut-off values, a variant classified as likely benign is not then subjected to further curation. The score for this variant resulted in a classification of likely benign for this disease.